The following is an entry in ClinVar:

NM_001199138.2(NLRC4):c.2204T>C (p.Val735Ala)

Gene: NLRC4 (NLR family CARD domain containing 4; minus strand). Cytogenetic location: 2p22.3.
Variant type: single nucleotide variant.
Coding change: c.2204T>C on transcript NM_001199138.2 (MANE Select); coding-DNA position 2204, T replaced by C.
Protein change: p.Val735Ala; replaces valine 735 with alanine.
Molecular consequence: missense variant. On other transcripts: intron variant (1).
Genome position (GRCh38, 1-based): chr2:32,249,660, A>G on the plus strand (T>C on the coding strand, the complement: NLRC4 is on the minus strand). VCF-style: chr2-32249660-A-G. GRCh37 (hg19) VCF-style: chr2-32474729-A-G.
Other names: c.2204T>C, p.Val735Ala (NM_001199139.2, NM_021209.5); c.262+2759T>C (NM_001302504.1); short protein forms V735A.
Identifiers: ClinVar variation 1470161 (VCV001470161.6), dbSNP rs2148941521, ClinGen allele CA346510725.

ClinVar aggregate classification (germline): Uncertain significance (1 of 4 stars; one submission).

Conditions:
Periodic fever-infantile enterocolitis-autoinflammatory syndrome. Also called: Autoinflammation with infantile enterocolitis. Identifiers: Orphanet 436166, MedGen C4015067, MONDO:0014472, OMIM 616050.
Familial cold autoinflammatory syndrome 4 (FCAS4). Identifiers: Orphanet 47045, Orphanet 576349, MedGen C4015276, MONDO:0014498, OMIM 616115.

Submission:

Labcorp Genetics (formerly Invitae), Labcorp
Classification: Uncertain significance for Periodic fever-infantile enterocolitis-autoinflammatory syndrome; Familial cold autoinflammatory syndrome 4. Last evaluated: 2021-09-14. Review status: criteria provided, single submitter. Criteria: Invitae Variant Classification Sherloc (09022015). Collection method: clinical testing. Allele origin: germline.
Comment: Algorithms developed to predict the effect of missense changes on protein structure and function are either unavailable or do not agree on the potential impact of this missense change (SIFT: "Deleterious"; PolyPhen-2: "Benign"; Align-GVGD: "Class C0"). This variant has not been reported in the literature in individuals affected with NLRC4-related conditions. This variant is not present in population databases (ExAC no frequency). This sequence change replaces valine with alanine at codon 735 of the NLRC4 protein (p.Val735Ala). The valine residue is highly conserved and there is a small physicochemical difference between valine and alanine. In summary, the available evidence is currently insufficient to determine the role of this variant in disease. Therefore, it has been classified as a Variant of Uncertain Significance.